The following is an entry in ClinVar:

NM_000255.4(MMUT):c.1083+4T>C

Gene: MMUT (methylmalonyl-CoA mutase; minus strand). Cytogenetic location: 6p12.3.
Variant type: single nucleotide variant.
Coding change: c.1083+4T>C on transcript NM_000255.4 (MANE Select); 4 bases into the intron after coding-DNA position 1083, T replaced by C.
Molecular consequence: intron variant.
Genome position (GRCh38, 1-based): chr6:49,453,581, A>G on the plus strand (T>C on the coding strand, the complement: MMUT is on the minus strand). VCF-style: chr6-49453581-A-G. GRCh37 (hg19) VCF-style: chr6-49421294-A-G.
Identifiers: ClinVar variation 4058080 (VCV004058080.2).

ClinVar aggregate classification (germline): Uncertain significance. Review status: criteria provided, single submitter (1 of 4 stars). 2 submissions from 2 submitters: Uncertain significance (1). 1 of the submissions does not count toward it. Last evaluated 2026-01-13.

Conditions:
Methylmalonic aciduria due to complete methylmalonyl-CoA mutase deficiency.

Submissions (2):

Women's Health and Genetics/Laboratory Corporation of America, LabCorp
Classification: Uncertain significance. Last evaluated: 2026-01-13. Review status: criteria provided, single submitter. Criteria: LabCorp Variant Classification Summary - May 2015. Collection method: clinical testing. Allele origin: germline.
Comment: Variant summary: MMUT c.1083+4T>C alters a nucleotide located close to a canonical splice site and therefore could affect mRNA splicing, leading to a significantly altered protein sequence. Consensus agreement among computation tools predict no significant impact on normal splicing. However, these predictions have yet to be confirmed by functional studies. The variant was absent in 250354 control chromosomes. The available data on variant occurrences in the general population are insufficient to allow any conclusion about variant significance. To our knowledge, no occurrence of c.1083+4T>C in individuals affected with MMUT-related conditions and no experimental evidence demonstrating its impact on protein function have been reported. ClinVar contains an entry for this variant (Variation ID: 4058080). Based on the evidence outlined above, the variant was classified as uncertain significance.

Natera, Inc.
Classification: Uncertain significance for Methylmalonic aciduria due to complete methylmalonyl-CoA mutase deficiency. Last evaluated: 2025-04-09. Review status: no assertion criteria provided. Collection method: clinical testing. Allele origin: germline. Not counted in ClinVar's aggregate classification.